The following is an entry in ClinVar:

ClinVar aggregate classification (germline): Conflicting classifications of pathogenicity. Review status: criteria provided, conflicting classifications (1 of 4 stars). 9 submissions from 9 submitters: Likely pathogenic (1); Uncertain significance (8). Last evaluated 2025-12-09.

Conditions:
MYBPC3-related disorder. Also called: MYBPC3-related disorders; MYBPC3-related condition; MYBPC3-related disease.
Cardiovascular phenotype. Identifiers: MedGen CN230736.
Hypertrophic cardiomyopathy 4. Also called: Familial hypertrophic cardiomyopathy 4. Identifiers: MedGen C1861862, MONDO:0007268, OMIM 115197.
Left ventricular noncompaction 10 (LVNC10). Identifiers: Orphanet 154, Orphanet 54260, MedGen C3715165, MONDO:0014163, OMIM 615396.
Cardiomyopathy (CMYO). Also called: Cardiomyopathies. Identifiers: Orphanet 167848, MedGen C0878544, MONDO:0004994, HP:0001638. Inheritance: Various modes of inheritance.
Hypertrophic cardiomyopathy. Also called: HYPERTROPHIC MYOCARDIOPATHY. Identifiers: Orphanet 217569, MedGen C0007194, MeSH D002312, MONDO:0005045, HP:0001639.

Allele frequency attached by ClinVar (database versions not stated): ExAC 0.00001; gnomAD exomes 0.00001 and 0.00002; gnomAD 0.00005; TOPMed 0.00007.
gnomAD v4.1: 21 of 1,610,498 alleles (0.0013%); highest among the groups gnomAD compares: Admixed American, 0.01%; no homozygotes.

Submissions (9):

Labcorp Genetics (formerly Invitae), Labcorp
Classification: Uncertain significance for Hypertrophic cardiomyopathy. Last evaluated: 2025-12-09. Review status: criteria provided, single submitter. Criteria: Invitae Variant Classification Sherloc (09022015). Collection method: clinical testing. Allele origin: germline.
Comment: This sequence change replaces arginine, which is basic and polar, with cysteine, which is neutral and slightly polar, at codon 1267 of the MYBPC3 protein (p.Arg1267Cys). This variant is present in population databases (rs765825263, gnomAD 0.01%). This variant has not been reported in the literature in individuals affected with MYBPC3-related conditions. ClinVar contains an entry for this variant (Variation ID: 407316). An algorithm developed to predict the effect of missense changes on protein structure and function (PolyPhen-2) suggests that this variant is likely to be disruptive. In summary, the available evidence is currently insufficient to determine the role of this variant in disease. Therefore, it has been classified as a Variant of Uncertain Significance.

Genesolutions, Medical Genetics Institutes, Ho Chi Minh City, Vietnam
Classification: Likely pathogenic for Left ventricular noncompaction 10. Last evaluated: 2025-09-24. Review status: criteria provided, single submitter. Criteria: ACMG Guidelines, 2015. Collection method: clinical testing. Allele origin: germline. Affected: yes.

PreventionGenetics, part of Exact Sciences
Classification: Uncertain significance for MYBPC3-related condition. Last evaluated: 2025-09-08. Review status: criteria provided, single submitter. Criteria: ACMG Guidelines, 2015. Collection method: clinical testing. Allele origin: germline.
Comment: The MYBPC3 c.3799C>T variant is predicted to result in the amino acid substitution p.Arg1267Cys. This variant has been reported in an individual who met clinical criteria for hypertrophic cardiomyopathy in which specific clinical findings were not reported (Supplemental Table 1, Kurzlechner et al. 2022. PubMed ID: 35629155). This variant is reported in 0.011% of alleles in individuals of Latino descent in gnomAD and is interpreted as uncertain in ClinVar (Variation ID: 407316). At this time, the clinical significance of this variant is uncertain due to the absence of conclusive functional and genetic evidence.

Ambry Genetics
Classification: Uncertain significance for Cardiovascular phenotype. Last evaluated: 2025-01-18. Review status: criteria provided, single submitter. Criteria: Ambry Variant Classification Scheme 2023. Collection method: clinical testing. Allele origin: germline.
Comment: The p.R1267C variant (also known as c.3799C>T), located in coding exon 33 of the MYBPC3 gene, results from a C to T substitution at nucleotide position 3799. The arginine at codon 1267 is replaced by cysteine, an amino acid with highly dissimilar properties. This amino acid position is conserved. In addition, the in silico prediction for this alteration is inconclusive. Since supporting evidence is limited at this time, the clinical significance of this alteration remains unclear.

All of Us Research Program, National Institutes of Health
Classification: Uncertain significance for Hypertrophic cardiomyopathy. Last evaluated: 2024-08-13. Review status: criteria provided, single submitter. Criteria: ACMG Guidelines, 2015. Collection method: clinical testing. Allele origin: germline. Inheritance: Autosomal dominant inheritance. Observed: 8 variant alleles, 8 heterozygotes.
Comment: This missense variant replaces arginine with cysteine at codon 1267 of the MYBPC3 protein. Computational prediction suggests that this variant may not impact protein structure and function (internally defined REVEL score threshold <= 0.5, PMID: 27666373). To our knowledge, functional studies have not been reported for this variant. This variant has not been reported in individuals affected with cardiovascular disorders in the literature. This variant has been identified in 6/278688 chromosomes in the general population by the Genome Aggregation Database (gnomAD). The available evidence is insufficient to determine the role of this variant in disease conclusively. Therefore, this variant is classified as a Variant of Uncertain Significance.

This study involves interpretation of variants in research participants for the purpose of population health screening. Participant phenotype was not available at the time of variant classification. Additional details can be found in publication PMID: 35346344, PMCID: PMC8962531

GeneDx
Classification: Uncertain significance. Last evaluated: 2024-07-23. Review status: criteria provided, single submitter. Criteria: GeneDx Variant Classification Process June 2021. Collection method: clinical testing. Allele origin: germline. Affected: yes.
Comment: Has not been previously published as pathogenic or benign to our knowledge; In silico analysis supports that this missense variant has a deleterious effect on protein structure/function

Color Diagnostics, LLC DBA Color Health
Classification: Uncertain significance for Cardiomyopathy. Last evaluated: 2024-02-07. Review status: criteria provided, single submitter. Criteria: ACMG Guidelines, 2015. Collection method: clinical testing. Allele origin: germline.
Comment: This missense variant replaces arginine with cysteine at codon 1267 of the MYBPC3 protein. Computational prediction tools indicate that this variant's impact on protein structure and function is inconclusive. To our knowledge, functional studies have not been reported for this variant. This variant has not been reported in individuals affected with MYBPC3-related disorders in the literature. This variant has been identified in 6/278688 chromosomes in the general population by the Genome Aggregation Database (gnomAD). The available evidence is insufficient to determine the role of this variant in disease conclusively. Therefore, this variant is classified as a Variant of Uncertain Significance.

Women's Health and Genetics/Laboratory Corporation of America, LabCorp
Classification: Uncertain significance. Last evaluated: 2024-02-06. Review status: criteria provided, single submitter. Criteria: LabCorp Variant Classification Summary - May 2015. Collection method: clinical testing. Allele origin: germline.
Comment: Variant summary: MYBPC3 c.3799C>T (p.Arg1267Cys) results in a non-conservative amino acid change located in the Immunoglobulin subtype domain (IPR003599) of the encoded protein sequence. Four of four in-silico tools predict a damaging effect of the variant on protein function. The variant allele was found at a frequency of 2e-05 in 247290 control chromosomes. The available data on variant occurrences in the general population are insufficient to allow any conclusion about variant significance. To our knowledge, c.3799C>T has been not been reported in the literature in individuals affected with Cardiomyopathy and no experimental evidence demonstrating an impact on protein function has been reported. The following publication have been ascertained in the context of this evaluation (PMID: 35629155). ClinVar contains an entry for this variant (Variation ID: 407316). Based on the evidence outlined above, the variant was classified as uncertain significance.

Fulgent Genetics
Classification: Uncertain significance for Hypertrophic cardiomyopathy 4; Left ventricular noncompaction 10. Last evaluated: 2021-10-14. Review status: criteria provided, single submitter. Criteria: ACMG Guidelines, 2015. Collection method: clinical testing. Allele origin: unknown.

Literature cited by the submitters: PubMed 35629155 (cited by Women's Health and Genetics/Laboratory Corporation of America, LabCorp).

NM_000256.3(MYBPC3):c.3799C>T (p.Arg1267Cys)

Gene: MYBPC3 (myosin binding protein C3; minus strand). Cytogenetic location: 11p11.2.
Variant type: single nucleotide variant.
Coding change: c.3799C>T on transcript NM_000256.3 (MANE Select); coding-DNA position 3799, C replaced by T.
Protein change: p.Arg1267Cys; replaces arginine 1267 with cysteine.
Molecular consequence: missense variant.
Genome position (GRCh38, 1-based): chr11:47,332,087, G>A on the plus strand (C>T on the coding strand, the complement: MYBPC3 is on the minus strand). VCF-style: chr11-47332087-G-A. GRCh37 (hg19) VCF-style: chr11-47353638-G-A.
Other names: c.3799C>T, p.Arg1267Cys (LRG_386t1); short protein forms R1267C.
Identifiers: ClinVar variation 407316 (VCV000407316.26), dbSNP rs765825263, ClinGen allele CA079549.